The following is an entry in ClinVar:

NM_005732.4(RAD50):c.844del (p.Met282fs)

Gene: RAD50 (RAD50 double strand break repair protein; plus strand). Cytogenetic location: 5q31.1.
Variant type: Deletion.
Coding change: c.844del on transcript NM_005732.4 (MANE Select); coding-DNA position 844, one base deleted (A; older notation c.844delA).
Protein change: p.Met282fs; shifts the reading frame from methionine 282.
Molecular consequence: frameshift variant.
Genome position (GRCh38, 1-based): chr5:132,587,649, A deleted; the last of 3 consecutive A bases (chr5:132,587,647-132,587,649); deleting any one gives the same sequence. VCF-style (leftmost placement, unchanged base first): chr5-132587646-CA-C. GRCh37 (hg19) VCF-style: chr5-131923338-CA-C.
Other names: short protein forms M282fs.
Identifiers: ClinVar variation 2028076 (VCV002028076.4), dbSNP rs2479631818, ClinGen allele CA2580072664.

ClinVar aggregate classification (germline): Pathogenic (1 of 4 stars; one submission).

Conditions:
Hereditary cancer-predisposing syndrome. Also called: Hereditary Cancer Syndrome; Tumor predisposition; Neoplastic Syndromes, Hereditary; Hereditary neoplastic syndrome. Identifiers: Orphanet 140162, MedGen C0027672, MeSH D009386, MONDO:0015356.

Submission:

Labcorp Genetics (formerly Invitae), Labcorp
Classification: Pathogenic for Hereditary cancer-predisposing syndrome. Last evaluated: 2022-08-31. Review status: criteria provided, single submitter. Criteria: Invitae Variant Classification Sherloc (09022015). Collection method: clinical testing. Allele origin: germline.
Comment: For these reasons, this variant has been classified as Pathogenic. This variant has not been reported in the literature in individuals affected with RAD50-related conditions. This variant is not present in population databases (gnomAD no frequency). This sequence change creates a premature translational stop signal (p.Met282Trpfs*23) in the RAD50 gene. It is expected to result in an absent or disrupted protein product. Loss-of-function variants in RAD50 are known to be pathogenic (PMID: 19409520).

Literature cited by the submitters: PubMed 19409520.